The following is an entry in ClinVar:

NM_004360.5(CDH1):c.1431G>A (p.Val477=)

Gene: CDH1 (cadherin 1; plus strand). Cytogenetic location: 16q22.1.
Variant type: single nucleotide variant.
Coding change: c.1431G>A on transcript NM_004360.5 (MANE Select); coding-DNA position 1431, G replaced by A.
Protein change: p.Val477=; no amino-acid change (valine 477 retained).
Molecular consequence: synonymous variant. On other transcripts: 5 prime UTR variant (2).
Genome position (GRCh38, 1-based): chr16:68,815,625, G>A. VCF-style: chr16-68815625-G-A. GRCh37 (hg19) VCF-style: chr16-68849528-G-A.
Other names: c.1248G>A, p.Val416= (NM_001317184.2); c.-118G>A (NM_001317185.2); c.-389G>A (NM_001317186.2).
Identifiers: ClinVar variation 2115499 (VCV002115499.5), dbSNP rs2152134905, ClinGen allele CA496154017.

ClinVar aggregate classification (germline): Benign/Likely benign. Review status: criteria provided, multiple submitters, no conflicts (2 of 4 stars). 2 submissions from 2 submitters: Benign (1); Likely benign (1). Last evaluated 2024-09-18.

Conditions:
Hereditary diffuse gastric adenocarcinoma (HDGC). Also called: DIFFUSE GASTRIC AND LOBULAR BREAST CANCER SYNDROME. Identifiers: Orphanet 26106, MedGen C1708349, MONDO:0007648, OMIM 137215.

Submissions (2):

Myriad Genetics, Inc.
Classification: Benign for Hereditary diffuse gastric adenocarcinoma. Last evaluated: 2024-09-18. Review status: criteria provided, single submitter. Criteria: Myriad Autosomal Dominant, Autosomal Recessive and X-Linked Classification Criteria (2023). Collection method: clinical testing. Allele origin: unknown.
Comment: This variant is considered benign. This variant is a silent/synonymous amino acid change and it is not expected to impact splicing.

Labcorp Genetics (formerly Invitae), Labcorp
Classification: Likely benign for Hereditary diffuse gastric adenocarcinoma. Last evaluated: 2023-08-27. Review status: criteria provided, single submitter. Criteria: Invitae Variant Classification Sherloc (09022015). Collection method: clinical testing. Allele origin: germline.